The following is an entry in ClinVar:

ClinVar aggregate classification (germline): Conflicting classifications of pathogenicity. Review status: criteria provided, conflicting classifications (1 of 4 stars). 11 submissions from 11 submitters: Uncertain significance (6); Benign (2); Likely benign (2). 1 of the submissions does not count toward it. Last evaluated 2026-02-11.

Conditions:
ELP1-related disorder. Also called: ELP1-related condition.
Familial dysautonomia. Also called: HSAN III; FD. Identifiers: Orphanet 1764, MedGen C0013364, MONDO:0009131, OMIM 223900. Disease mechanism: loss of function.

Allele frequency attached by ClinVar (database versions not stated): 1000 Genomes Project 30x 0.00016; 1000 Genomes Project 0.00020; TOPMed 0.00083; gnomAD exomes 0.00085 and 0.00184; ExAC 0.00088; gnomAD 0.00094 and 0.00098; ESP Exome Variant Server 0.00100.
gnomAD v4.1: 2,770 of 1,613,412 alleles (0.17%); highest among the groups gnomAD compares: Non-Finnish European, 0.23%; 8 homozygotes.

Submissions (11):

GeneDx
Classification: Uncertain significance. Last evaluated: 2026-02-11. Review status: criteria provided, single submitter. Criteria: GeneDx Variant Classification Process June 2021. Collection method: clinical testing. Allele origin: germline. Affected: yes.
Comment: In silico analysis supports that this missense variant has a deleterious effect on protein structure/function; Has not been previously published as pathogenic or benign to our knowledge

Labcorp Genetics (formerly Invitae), Labcorp
Classification: Benign. Last evaluated: 2026-01-28. Review status: criteria provided, single submitter. Criteria: Invitae Variant Classification Sherloc (09022015). Collection method: clinical testing. Allele origin: germline.

PreventionGenetics, part of Exact Sciences
Classification: Likely benign for ELP1-related condition. Last evaluated: 2025-08-28. Review status: criteria provided, single submitter. Criteria: ACMG Guidelines, 2015. Collection method: clinical testing. Allele origin: germline.
Comment: This variant is classified as likely benign based on ACMG/AMP sequence variant interpretation guidelines (Richards et al. 2015 PMID: 25741868, with internal and published modifications).

Women's Health and Genetics/Laboratory Corporation of America, LabCorp
Classification: Likely benign. Last evaluated: 2025-06-26. Review status: criteria provided, single submitter. Criteria: LabCorp Variant Classification Summary - May 2015. Collection method: clinical testing. Allele origin: germline.
Comment: Variant summary: ELP1 c.3280A>G (p.Arg1094Gly) results in a non-conservative amino acid change in the encoded protein sequence. Algorithms developed to predict the effect of missense changes on protein structure and function are either unavailable or do not agree on the potential impact of this missense change. The variant allele was found at a frequency of 0.0017 in 1606438 control chromosomes, predominantly at a frequency of 0.0023 within the Non-Finnish European subpopulation in the gnomAD database, including 8 homozygotes. The observed variant frequency within Non-Finnish European control individuals in the gnomAD database is approximately 1.25-fold of the estimated maximal expected allele frequency for a pathogenic variant in ELP1 causing Familial Dysautonomia phenotype (0.0018). To our knowledge, no occurrence of c.3280A>G in individuals affected with Familial Dysautonomia and no experimental evidence demonstrating its impact on protein function have been reported. ClinVar contains an entry for this variant (Variation ID: 242294). Based on the evidence outlined above, the variant was classified as likely benign.

Mayo Clinic Laboratories, Mayo Clinic
Classification: Benign. Last evaluated: 2025-02-07. Review status: criteria provided, single submitter. Criteria: ACMG Guidelines, 2015. Collection method: clinical testing. Allele origin: germline. Observed: 10 variant alleles.
Comment: BS1, BS2

Ambry Genetics
Classification: Uncertain significance. Last evaluated: 2022-04-20. Review status: criteria provided, single submitter. Criteria: Ambry Variant Classification Scheme 2023. Collection method: clinical testing. Allele origin: germline.
Comment: The p.R1094G variant (also known as c.3280A>G), located in coding exon 29 of the IKBKAP gene, results from an A to G substitution at nucleotide position 3280. The arginine at codon 1094 is replaced by glycine, an amino acid with dissimilar properties. This amino acid position is highly conserved in available vertebrate species. In addition, this alteration is predicted to be deleterious by in silico analysis. Since supporting evidence is limited at this time, the clinical significance of this alteration remains unclear.

ARUP Laboratories, Molecular Genetics and Genomics, ARUP Laboratories
Classification: Uncertain significance for Familial dysautonomia. Last evaluated: 2020-04-09. Review status: criteria provided, single submitter. Criteria: ARUP Molecular Germline Variant Investigation Process. Collection method: clinical testing. Allele origin: germline.
Comment: The p.Arg1094Gly variant (rs146440397) has not been reported in the medical literature, gene specific variation databases, nor has it been previously identified by our laboratory. This variant is listed in the Genome Aggregation Database (gnomAD) with a frequency of 0.2 percent in the European Non-Finnish population (identified on 215 out of 126,458 chromosomes) and has been reported to the ClinVar database (Variation ID: 242294). The arginine at position 1094 is highly conserved up to C. elegans considering 13 species (Alamut v2.11) and computational analyses of the effects of the p.Arg1094Gly variant on protein structure and function provide conflicting results (SIFT: tolerated, PolyPhen-2: probably damaging). Altogether, there is not enough evidence to classify the p.Arg1094Gly variant with certainty.

Illumina Laboratory Services, Illumina
Classification: Uncertain significance for Familial dysautonomia. Last evaluated: 2018-01-13. Review status: criteria provided, single submitter. Criteria: ICSL Variant Classification Criteria 13 December 2019. Collection method: clinical testing. Allele origin: germline.

CeGaT Center for Human Genetics Tuebingen
Classification: Uncertain significance. Last evaluated: 2018-01-01. Review status: criteria provided, single submitter. Criteria: CeGaT Center For Human Genetics Tuebingen Variant Classification Criteria Version 2. Collection method: clinical testing. Allele origin: germline. Affected: yes. Observed: 1 variant allele.

Eurofins Ntd Llc (ga)
Classification: Uncertain significance. Last evaluated: 2017-03-01. Review status: criteria provided, single submitter. Criteria: EGL Classification Definitions 2015. Collection method: clinical testing. Allele origin: germline. Observed: 1 variant allele, 1 heterozygote.

Natera, Inc.
Classification: Uncertain significance for Hereditary sensory and autonomic neuropathy type III. Last evaluated: 2020-01-17. Review status: no assertion criteria provided. Collection method: clinical testing. Allele origin: germline. Not counted in ClinVar's aggregate classification.

NM_003640.5(ELP1):c.3280A>G (p.Arg1094Gly)

Gene: ELP1 (elongator acetyltransferase complex subunit 1; minus strand). Cytogenetic location: 9q31.3.
Variant type: single nucleotide variant.
Coding change: c.3280A>G on transcript NM_003640.5 (MANE Select); coding-DNA position 3280, A replaced by G.
Protein change: p.Arg1094Gly; replaces arginine 1094 with glycine.
Molecular consequence: missense variant.
Genome position (GRCh38, 1-based): chr9:108,882,130, T>C on the plus strand (A>G on the coding strand, the complement: ELP1 is on the minus strand). VCF-style: chr9-108882130-T-C. GRCh37 (hg19) VCF-style: chr9-111644410-T-C.
Other names: c.3280A>G (LRG_251t1); c.2938A>G, p.Arg980Gly (NM_001318360.2); c.2233A>G, p.Arg745Gly (NM_001330749.2); short protein forms R1094G, R980G, R745G.
Identifiers: ClinVar variation 242294 (VCV000242294.83), dbSNP rs146440397, ClinGen allele CA5174360.
Genomic context (GRCh38, chr9:108,882,130, plus strand): 5'-TTGCTTGCTCTCTCTGCTTAGCACCCAACATCCAGAGGATTTACAAGATTCTTACCAGCC[T>C]CAAAGCTTCTTCCCAGGCAGCTCCTTCTAACAGCAAGAGCACAGCTTCTTCATAATCCTG-3'
Protein context (NP_003631.2, residues 1084-1104): LEGAAWEEAL[Arg1094Gly]LVYKYNRLDI